The following is an entry in ClinVar:

NM_172107.4(KCNQ2):c.2032G>A (p.Glu678Lys)

Gene: KCNQ2 (potassium voltage-gated channel subfamily Q member 2; minus strand). Cytogenetic location: 20q13.33.
Variant type: single nucleotide variant.
Coding change: c.2032G>A on transcript NM_172107.4 (MANE Select); coding-DNA position 2032, G replaced by A.
Protein change: p.Glu678Lys; replaces glutamic acid 678 with lysine.
Molecular consequence: missense variant.
Genome position (GRCh38, 1-based): chr20:63,407,231, C>T on the plus strand (G>A on the coding strand, the complement: KCNQ2 is on the minus strand). VCF-style: chr20-63407231-C-T. GRCh37 (hg19) VCF-style: chr20-62038584-C-T.
Other names: c.2086G>A, p.Glu696Lys (NM_001382235.1); c.1948G>A, p.Glu650Lys (NM_004518.6); c.1978G>A, p.Glu660Lys (NM_172106.3); c.1939G>A, p.Glu647Lys (NM_172108.5); short protein forms E696K, E647K, E650K, E660K, E678K.
Identifiers: ClinVar variation 964951 (VCV000964951.10), dbSNP rs2079974270, ClinGen allele CA409639143.

ClinVar aggregate classification (germline): Uncertain significance (1 of 4 stars; one submission).

Conditions:
Early-infantile DEE. Also called: Ohtahara syndrome; Early infantile epileptic encephalopathy with suppression bursts; Early infantile epileptic encephalopathy. Identifiers: Orphanet 1934, MedGen C0393706, MONDO:0800491.

gnomAD v4.1: 1 of 1,603,638 alleles (0.000062%); no homozygotes.

Submission:

Labcorp Genetics (formerly Invitae), Labcorp
Classification: Uncertain significance for Early-infantile DEE. Last evaluated: 2024-02-24. Review status: criteria provided, single submitter. Criteria: Invitae Variant Classification Sherloc (09022015). Collection method: clinical testing. Allele origin: germline.
Comment: This sequence change replaces glutamic acid, which is acidic and polar, with lysine, which is basic and polar, at codon 678 of the KCNQ2 protein (p.Glu678Lys). This variant is not present in population databases (gnomAD no frequency). This variant has not been reported in the literature in individuals affected with KCNQ2-related conditions. ClinVar contains an entry for this variant (Variation ID: 964951). An algorithm developed to predict the effect of missense changes on protein structure and function (PolyPhen-2) suggests that this variant is likely to be tolerated. In summary, the available evidence is currently insufficient to determine the role of this variant in disease. Therefore, it has been classified as a Variant of Uncertain Significance.